The following is an entry in ClinVar:

ClinVar aggregate classification (germline): Uncertain significance (1 of 4 stars; one submission).

Conditions:
Peroxisome biogenesis disorder 8B (PBD8B). Identifiers: Orphanet 44, MedGen C3553960, MONDO:0013943, OMIM 614877.

gnomAD v4.1: 1 of 1,611,226 alleles (0.000062%); highest among the groups gnomAD compares: Non-Finnish European, 0.000085%; no homozygotes.

Submission:

3billion
Classification: Uncertain significance for Peroxisome biogenesis disorder 8B. Last evaluated: 2026-01-23. Review status: criteria provided, single submitter. Criteria: ACMG Guidelines, 2015. Collection method: clinical testing. Allele origin: germline. Affected: yes.
Comment: The variant is observed at an extremely low frequency in the gnomAD v4.1.0 dataset (total allele frequency: <0.001%). Predicted Consequence/Location: Missense variant In silico tool predictions suggest damaging effect of the variant on gene or gene product [REVEL: 0.70 (>=0.6, sensitivity 0.68 and specificity 0.92); 3Cnet: 0.75 (> 0.75, sensitivity 0.96 and precision 0.92)]. Different missense changes at the same codon have been reported as of uncertain significance (ClinVar ID: VCV003715444). Therefore, this variant is classified as VUS according to the recommendation of ACMG/AMP guideline.

NM_004813.4(PEX16):c.725C>G (p.Ser242Trp)

Gene: PEX16 (peroxisomal biogenesis factor 16; minus strand). Cytogenetic location: 11p11.2.
Variant type: single nucleotide variant.
Coding change: c.725C>G on transcript NM_004813.4 (MANE Select); coding-DNA position 725, C replaced by G.
Protein change: p.Ser242Trp; replaces serine 242 with tryptophan.
Molecular consequence: missense variant.
Genome position (GRCh38, 1-based): chr11:45,914,173, G>C on the plus strand (C>G on the coding strand, the complement: PEX16 is on the minus strand). VCF-style: chr11-45914173-G-C. GRCh37 (hg19) VCF-style: chr11-45935724-G-C.
Other names: c.725C>G, p.Ser242Trp (NM_057174.3); short protein forms S242W.
Identifiers: ClinVar variation 4854384 (VCV004854384.1).